The following is an entry in ClinVar:

ClinVar aggregate classification (germline): Likely benign. Review status: criteria provided, multiple submitters, no conflicts (2 of 4 stars). 3 submissions from 3 submitters: Likely benign (2). 1 of the submissions does not count toward it. Last evaluated 2026-01-18.

Conditions:
EXOC3L2-related disorder. Also called: EXOC3L2-related condition.

Allele frequency attached by ClinVar (database versions not stated): ExAC 0.00096; gnomAD 0.00099; gnomAD exomes 0.00117; TOPMed 0.00119; ESP Exome Variant Server 0.00123; 1000 Genomes Project 30x 0.00156; 1000 Genomes Project 0.00160.
gnomAD v4.1: 1,838 of 1,611,642 alleles (0.11%); highest among the groups gnomAD compares: Admixed American, 0.25%; 2 homozygotes.

Submissions (3):

Labcorp Genetics (formerly Invitae), Labcorp
Classification: Likely benign. Last evaluated: 2026-01-18. Review status: criteria provided, single submitter. Criteria: Invitae Variant Classification Sherloc (09022015). Collection method: clinical testing. Allele origin: germline.

CeGaT Center for Human Genetics Tuebingen
Classification: Likely benign. Last evaluated: 2025-05-01. Review status: criteria provided, single submitter. Criteria: CeGaT Center For Human Genetics Tuebingen Variant Classification Criteria Version 2. Collection method: clinical testing. Allele origin: germline. Affected: yes. Observed: 1 variant allele.
Comment: EXOC3L2: BS1

PreventionGenetics, part of Exact Sciences
Classification: Likely benign for EXOC3L2-related condition. Last evaluated: 2023-02-15. Review status: no assertion criteria provided. Collection method: clinical testing. Allele origin: germline. Not counted in ClinVar's aggregate classification.
Comment: This variant is classified as likely benign based on ACMG/AMP sequence variant interpretation guidelines (Richards et al. 2015 PMID: 25741868, with internal and published modifications).

NM_001382422.1(EXOC3L2):c.2265C>A (p.Asp755Glu)

Genes: BLOC1S3 (biogenesis of lysosomal organelles complex 1 subunit 3; plus strand), EXOC3L2 (exocyst complex component 3 like 2; minus strand). Cytogenetic location: 19q13.32.
Variant type: single nucleotide variant.
Coding change: c.2265C>A on transcript NM_001382422.1 (MANE Select); coding-DNA position 2265, C replaced by A.
Protein change: p.Asp755Glu; replaces aspartic acid 755 with glutamic acid.
Molecular consequence: missense variant.
Genome position (GRCh38, 1-based): chr19:45,213,213, G>T on the plus strand (C>A on the coding strand, the complement: EXOC3L2 is on the minus strand). VCF-style: chr19-45213213-G-T. GRCh37 (hg19) VCF-style: chr19-45716471-G-T.
Other names: NM_138568.3:c.1086C>A; short protein forms D755E.
Identifiers: ClinVar variation 2056575 (VCV002056575.16), dbSNP rs111862689, ClinGen allele CA9510365.
Genomic context (GRCh38, chr19:45,213,213, plus strand): 5'-GGGGAGGCGGCCCAGGAAGAGAGGGAGGCTGAGACAGAAAGATGGGCGGGGCACAGGGAT[G>T]TCTGCAAAGAAGGCACGGTCCCGAGGGGGTGACAGGGCTCCCTCCTCAGAGAGTTCCAGG-3'
Protein context (NP_001369351.1, residues 745-765): SPPRDRAFFA[Asp755Glu]IPVPRPSFCL